The following is an entry in ClinVar:

NM_020638.3(FGF23):c.526C>T (p.Arg176Trp)

Gene: FGF23 (fibroblast growth factor 23; minus strand). Cytogenetic location: 12p13.32.
Variant type: single nucleotide variant.
Coding change: c.526C>T on transcript NM_020638.3 (MANE Select); coding-DNA position 526, C replaced by T.
Protein change: p.Arg176Trp; replaces arginine 176 with tryptophan.
Molecular consequence: missense variant.
Genome position (GRCh38, 1-based): chr12:4,370,573, G>A on the plus strand (C>T on the coding strand, the complement: FGF23 is on the minus strand). VCF-style: chr12-4370573-G-A. GRCh37 (hg19) VCF-style: chr12-4479739-G-A.
Other names: short protein forms R176W.
Identifiers: ClinVar variation 1072118 (VCV001072118.9), dbSNP rs754201217, ClinGen allele CA6395665.

ClinVar aggregate classification (germline): Pathogenic (1 of 4 stars; one submission).

Allele frequency attached by ClinVar (database versions not stated): ExAC 0.00001; gnomAD 0.00001.

Submission:

Labcorp Genetics (formerly Invitae), Labcorp
Classification: Pathogenic. Last evaluated: 2025-08-10. Review status: criteria provided, single submitter. Criteria: Invitae Variant Classification Sherloc (09022015). Collection method: clinical testing. Allele origin: germline.
Comment: This sequence change replaces arginine, which is basic and polar, with tryptophan, which is neutral and slightly polar, at codon 176 of the FGF23 protein (p.Arg176Trp). This variant is present in population databases (rs754201217, gnomAD 0.01%). This missense change has been observed in individuals with autosomal dominant hypophosphatemic rickets (PMID: 19655082, 31486862). It has also been observed to segregate with disease in related individuals. ClinVar contains an entry for this variant (Variation ID: 1072118). Invitae Evidence Modeling of protein sequence and biophysical properties (such as structural, functional, and spatial information, amino acid conservation, physicochemical variation, residue mobility, and thermodynamic stability) indicates that this missense variant is expected to disrupt FGF23 protein function with a positive predictive value of 95%. This variant disrupts the p.Arg176 amino acid residue in FGF23. Other variant(s) that disrupt this residue have been determined to be pathogenic (PMID: 11062477). This suggests that this residue is clinically significant, and that variants that disrupt this residue are likely to be disease-causing. For these reasons, this variant has been classified as Pathogenic.

Literature cited by the submitters: PubMed 19655082; PubMed 31486862; PubMed 11062477.